The following is an entry in ClinVar:

ClinVar aggregate classification (germline): Uncertain significance (1 of 4 stars; one submission).

Conditions:
Catecholaminergic polymorphic ventricular tachycardia 1. Also called: VENTRICULAR TACHYCARDIA, STRESS-INDUCED POLYMORPHIC 1; VENTRICULAR TACHYCARDIA, CATECHOLAMINERGIC POLYMORPHIC, 1, WITH OR WITHOUT ATRIAL DYSFUNCTION AND/OR DILATED CARDIOMYOPATHY; RYR2-Related Catecholaminergic Polymorphic Ventricular Tachycardia. Identifiers: Orphanet 3286, MedGen C1631597, MONDO:0011484, OMIM 604772.

Allele frequency attached by ClinVar (database versions not stated): gnomAD exomes below 0.00001.
gnomAD v4.1: 1 of 1,588,894 alleles (0.000063%); highest among the groups gnomAD compares: Non-Finnish European, 0.000086%; no homozygotes.

Submission:

Labcorp Genetics (formerly Invitae), Labcorp
Classification: Uncertain significance for Catecholaminergic polymorphic ventricular tachycardia 1. Last evaluated: 2021-05-20. Review status: criteria provided, single submitter. Criteria: Invitae Variant Classification Sherloc (09022015). Collection method: clinical testing. Allele origin: germline.
Comment: Advanced modeling of protein sequence and biophysical properties (such as structural, functional, and spatial information, amino acid conservation, physicochemical variation, residue mobility, and thermodynamic stability) performed at Invitae indicates that this missense variant is not expected to disrupt RYR2 protein function. This variant has not been reported in the literature in individuals with RYR2-related conditions. This variant is not present in population databases (ExAC no frequency). This sequence change replaces asparagine with aspartic acid at codon 3063 of the RYR2 protein (p.Asn3063Asp). The asparagine residue is highly conserved and there is a small physicochemical difference between asparagine and aspartic acid. In summary, the available evidence is currently insufficient to determine the role of this variant in disease. Therefore, it has been classified as a Variant of Uncertain Significance.

NM_001035.3(RYR2):c.9187A>G (p.Asn3063Asp)

Gene: RYR2 (ryanodine receptor 2; plus strand). Cytogenetic location: 1q43.
Variant type: single nucleotide variant.
Coding change: c.9187A>G on transcript NM_001035.3 (MANE Select); coding-DNA position 9187, A replaced by G.
Protein change: p.Asn3063Asp; replaces asparagine 3063 with aspartic acid.
Molecular consequence: missense variant.
Genome position (GRCh38, 1-based): chr1:237,700,287, A>G. VCF-style: chr1-237700287-A-G. GRCh37 (hg19) VCF-style: chr1-237863587-A-G.
Other names: short protein forms N3063D.
Identifiers: ClinVar variation 1521430 (VCV001521430.9), dbSNP rs889751102, ClinGen allele CA39786412.
Genomic context (GRCh38, chr1:237,700,287, plus strand): 5'-AGGACAGTGATGAAGACTGGCCTGGAGAGTGTTAAAAGTGCACTCAGAGCTTTTCTGGAC[A>G]ACGCTGCAGAGGATCTGGAGAAGACCATGGAAAACCTCAAGCAGGGCCAGTTCACTCACA-3'
Protein context (NP_001026.2, residues 3053-3073): VKSALRAFLD[Asn3063Asp]AAEDLEKTME